The following is an entry in ClinVar:

NM_001429.4(EP300):c.5668A>G (p.Thr1890Ala)

Gene: EP300 (EP300 lysine acetyltransferase; plus strand). Cytogenetic location: 22q13.2.
Variant type: single nucleotide variant.
Coding change: c.5668A>G on transcript NM_001429.4 (MANE Select); coding-DNA position 5668, A replaced by G.
Protein change: p.Thr1890Ala; replaces threonine 1890 with alanine.
Molecular consequence: missense variant.
Genome position (GRCh38, 1-based): chr22:41,177,379, A>G. VCF-style: chr22-41177379-A-G. GRCh37 (hg19) VCF-style: chr22-41573383-A-G.
Other names: c.5590A>G, p.Thr1864Ala (NM_001362843.2); short protein forms T1864A, T1890A.
Identifiers: ClinVar variation 4989915 (VCV004989915.1).

ClinVar aggregate classification (germline): Uncertain significance (1 of 4 stars; one submission).

Conditions:
EP300-related disorder. Also called: EP300-related condition; EP300-related disorders.

gnomAD v4.1: 4 of 1,613,608 alleles (0.00025%); highest among the groups gnomAD compares: East Asian, 0.0022%; no homozygotes.

Submission:

PreventionGenetics, part of Exact Sciences
Classification: Uncertain significance for EP300-related condition. Last evaluated: 2026-05-04. Review status: criteria provided, single submitter. Criteria: ACMG Guidelines, 2015. Collection method: clinical testing. Allele origin: germline.
Comment: The EP300 c.5668A>G variant is predicted to result in the amino acid substitution p.Thr1890Ala. To our knowledge, this variant has not been reported in the literature. This variant is reported in 0.00088% of alleles in individuals of European (Non-Finnish) descent in gnomAD. At this time, the clinical significance of this variant is uncertain due to the absence of conclusive functional and genetic evidence.